The following is an entry in ClinVar:

NM_001367561.1(DOCK7):c.4028T>C (p.Val1343Ala)

Gene: DOCK7 (dedicator of cytokinesis 7; minus strand). Cytogenetic location: 1p31.3.
Variant type: single nucleotide variant.
Coding change: c.4028T>C on transcript NM_001367561.1 (MANE Select); coding-DNA position 4028, T replaced by C.
Protein change: p.Val1343Ala; replaces valine 1343 with alanine.
Molecular consequence: missense variant.
Genome position (GRCh38, 1-based): chr1:62,513,807, A>G on the plus strand (T>C on the coding strand, the complement: DOCK7 is on the minus strand). VCF-style: chr1-62513807-A-G. GRCh37 (hg19) VCF-style: chr1-62979478-A-G.
Other names: c.4028T>C, p.Val1343Ala (NM_001271999.2, NM_001330614.2); c.3935T>C, p.Val1312Ala (NM_001272000.2, NM_001272001.2, NM_033407.4); short protein forms V1312A, V1343A.
Identifiers: ClinVar variation 1045627 (VCV001045627.9), dbSNP rs769845153, ClinGen allele CA885818.

ClinVar aggregate classification (germline): Uncertain significance (1 of 4 stars; one submission).

Conditions:
Developmental and epileptic encephalopathy, 23 (DEE23). Also called: Epileptic encephalopathy, early infantile, 23. Identifiers: Orphanet 411986, MedGen C4014492, MONDO:0014371, OMIM 615859.

Allele frequency attached by ClinVar (database versions not stated): gnomAD 0.00001; gnomAD exomes 0.00001; ExAC 0.00002.
gnomAD v4.1: 9 of 1,614,014 alleles (0.00056%); highest among the groups gnomAD compares: African/African-American, 0.0013%; no homozygotes.

Submission:

Labcorp Genetics (formerly Invitae), Labcorp
Classification: Uncertain significance for Developmental and epileptic encephalopathy, 23. Last evaluated: 2022-12-06. Review status: criteria provided, single submitter. Criteria: Invitae Variant Classification Sherloc (09022015). Collection method: clinical testing. Allele origin: germline.
Comment: In summary, the available evidence is currently insufficient to determine the role of this variant in disease. Therefore, it has been classified as a Variant of Uncertain Significance. Advanced modeling of protein sequence and biophysical properties (such as structural, functional, and spatial information, amino acid conservation, physicochemical variation, residue mobility, and thermodynamic stability) performed at Invitae indicates that this missense variant is not expected to disrupt DOCK7 protein function. ClinVar contains an entry for this variant (Variation ID: 1045627). This variant has not been reported in the literature in individuals affected with DOCK7-related conditions. This variant is present in population databases (rs769845153, gnomAD 0.002%). This sequence change replaces valine, which is neutral and non-polar, with alanine, which is neutral and non-polar, at codon 1343 of the DOCK7 protein (p.Val1343Ala).